The following is an entry in ClinVar:

ClinVar aggregate classification (germline): Conflicting classifications of pathogenicity. Review status: criteria provided, conflicting classifications (1 of 4 stars). 2 submissions from 2 submitters: Uncertain significance (1); Likely benign (1). Last evaluated 2026-06-12.

Conditions:
Renal cell carcinoma. Identifiers: Orphanet 217071, MedGen C0007134, MeSH D002292, MONDO:0005086, HP:0005584.
Hereditary cancer-predisposing syndrome. Also called: Tumor predisposition; Hereditary neoplastic syndrome; Neoplastic Syndromes, Hereditary; Hereditary Cancer Syndrome. Identifiers: Orphanet 140162, MedGen C0027672, MeSH D009386, MONDO:0015356.

gnomAD v4.1: 2 of 1,613,818 alleles (0.00012%); highest among the groups gnomAD compares: Non-Finnish European, 0.00017%; no homozygotes.

Submissions (2):

Ambry Genetics
Classification: Likely benign for Hereditary cancer-predisposing syndrome. Last evaluated: 2026-06-12. Review status: criteria provided, single submitter. Criteria: Ambry Variant Classification Scheme 2023. Collection method: clinical testing. Allele origin: germline.

Labcorp Genetics (formerly Invitae), Labcorp
Classification: Uncertain significance for Renal cell carcinoma. Last evaluated: 2023-03-14. Review status: criteria provided, single submitter. Criteria: Invitae Variant Classification Sherloc (09022015). Collection method: clinical testing. Allele origin: germline.
Comment: This sequence change replaces alanine, which is neutral and non-polar, with valine, which is neutral and non-polar, at codon 3 of the MET protein (p.Ala3Val). In summary, the available evidence is currently insufficient to determine the role of this variant in disease. Therefore, it has been classified as a Variant of Uncertain Significance. Algorithms developed to predict the effect of missense changes on protein structure and function output the following: SIFT: "Not Available"; PolyPhen-2: "Benign"; Align-GVGD: "Not Available". The valine amino acid residue is found in multiple mammalian species, which suggests that this missense change does not adversely affect protein function. This variant has not been reported in the literature in individuals affected with MET-related conditions. This variant is not present in population databases (gnomAD no frequency).

NM_000245.4(MET):c.8C>T (p.Ala3Val)

Gene: MET (MET proto-oncogene, receptor tyrosine kinase; plus strand). Cytogenetic location: 7q31.2.
Variant type: single nucleotide variant.
Coding change: c.8C>T on transcript NM_000245.4 (MANE Select); coding-DNA position 8, C replaced by T.
Protein change: p.Ala3Val; replaces alanine 3 with valine.
Molecular consequence: missense variant. On other transcripts: intron variant (1).
Genome position (GRCh38, 1-based): chr7:116,699,092, C>T. VCF-style: chr7-116699092-C-T. GRCh37 (hg19) VCF-style: chr7-116339146-C-T.
Other names: c.8C>T, p.Ala3Val (NM_001127500.3, NM_001324401.3); c.-91+26515C>T (NM_001324402.2); short protein forms A3V.
Identifiers: ClinVar variation 2801430 (VCV002801430.5), dbSNP rs1797064164, ClinGen allele CA368968157.